The following is an entry in ClinVar:

ClinVar aggregate classification (germline): Uncertain significance. Review status: criteria provided, multiple submitters, no conflicts (2 of 4 stars). 2 submissions from 2 submitters: Uncertain significance (2). Last evaluated 2022-11-23.

Conditions:
Hereditary spastic paraplegia 11. Also called: Nakamura Osame syndrome; Autosomal recessive hereditary spastic paraplegia, mental impairment, and thin corpus callosum; Spastic paraplegia, mental retardation and thin corpus callosum; SPASTIC PARAPLEGIA, AUTOSOMAL RECESSIVE, COMPLICATED, WITH THIN CORPUS CALLOSUM; SPASTIC PARAPLEGIA, AUTOSOMAL RECESSIVE, WITH MENTAL IMPAIRMENT AND THIN CORPUS CALLOSUM; Spastic Paraplegia 11. Identifiers: Orphanet 2822, MedGen C1858479, MONDO:0011445, OMIM 604360.
Inborn genetic diseases. Identifiers: MedGen C0950123, MeSH D030342.

Allele frequency attached by ClinVar (database versions not stated): gnomAD 0.00001; TOPMed 0.00002; gnomAD exomes 0.00003 and below 0.00001; ESP Exome Variant Server 0.00008; ExAC 0.00001.
gnomAD v4.1: 53 of 1,613,862 alleles (0.0033%); highest among the groups gnomAD compares: Non-Finnish European, 0.0043%; no homozygotes.

Submissions (2):

Ambry Genetics
Classification: Uncertain significance for Inborn genetic diseases. Last evaluated: 2022-11-23. Review status: criteria provided, single submitter. Criteria: Ambry Variant Classification Scheme 2023. Collection method: clinical testing. Allele origin: germline.

Labcorp Genetics (formerly Invitae), Labcorp
Classification: Uncertain significance for Hereditary spastic paraplegia 11. Last evaluated: 2022-10-13. Review status: criteria provided, single submitter. Criteria: Invitae Variant Classification Sherloc (09022015). Collection method: clinical testing. Allele origin: germline.
Comment: This sequence change replaces serine, which is neutral and polar, with arginine, which is basic and polar, at codon 1071 of the SPG11 protein (p.Ser1071Arg). This variant is present in population databases (rs145195036, gnomAD 0.0009%). This variant has not been reported in the literature in individuals affected with SPG11-related conditions. ClinVar contains an entry for this variant (Variation ID: 534860). Advanced modeling of protein sequence and biophysical properties (such as structural, functional, and spatial information, amino acid conservation, physicochemical variation, residue mobility, and thermodynamic stability) performed at Invitae indicates that this missense variant is expected to disrupt SPG11 protein function. Algorithms developed to predict the effect of sequence changes on RNA splicing suggest that this variant may create or strengthen a splice site. In summary, the available evidence is currently insufficient to determine the role of this variant in disease. Therefore, it has been classified as a Variant of Uncertain Significance.

NM_025137.4(SPG11):c.3213T>G (p.Ser1071Arg)

Gene: SPG11 (SPG11 vesicle trafficking associated, spatacsin; minus strand). Cytogenetic location: 15q21.1.
Variant type: single nucleotide variant.
Coding change: c.3213T>G on transcript NM_025137.4 (MANE Select); coding-DNA position 3213, T replaced by G.
Protein change: p.Ser1071Arg; replaces serine 1071 with arginine.
Molecular consequence: missense variant.
Genome position (GRCh38, 1-based): chr15:44,610,918, A>C on the plus strand (T>G on the coding strand, the complement: SPG11 is on the minus strand). VCF-style: chr15-44610918-A-C. GRCh37 (hg19) VCF-style: chr15-44903116-A-C.
Other names: c.3213T>G, p.Ser1071Arg (NM_001160227.2); short protein forms S1071R.
Identifiers: ClinVar variation 534860 (VCV000534860.9), dbSNP rs145195036, ClinGen allele CA7535026.
Genomic context (GRCh38, chr15:44,610,918, plus strand): 5'-AGAATACATTGTAGTAGCAAGGGCCAGGAGGGTATGTCCTTCCAATAGCATACTGCTTAC[A>C]CTGGCCTGATTGGTGGGAATCAAAATCTGAGCATTTGCAAGGCTAGCCTGGAAGATCAGT-3'
Protein context (NP_079413.3, residues 1061-1081): AQILIPTNQA[Ser1071Arg]VSSMLLEGHT